The following is an entry in ClinVar:

NM_000350.3(ABCA4):c.5024C>G (p.Thr1675Ser)

Gene: ABCA4 (ATP binding cassette subfamily A member 4; minus strand). Cytogenetic location: 1p22.1.
Variant type: single nucleotide variant.
Coding change: c.5024C>G on transcript NM_000350.3 (MANE Select); coding-DNA position 5024, C replaced by G.
Protein change: p.Thr1675Ser; replaces threonine 1675 with serine.
Molecular consequence: missense variant.
Genome position (GRCh38, 1-based): chr1:94,019,754, G>C on the plus strand (C>G on the coding strand, the complement: ABCA4 is on the minus strand). VCF-style: chr1-94019754-G-C. GRCh37 (hg19) VCF-style: chr1-94485310-G-C.
Other names: c.4802C>G, p.Thr1601Ser (NM_001425324.1); short protein forms T1675S, T1601S.
Identifiers: ClinVar variation 860966 (VCV000860966.9), dbSNP rs375156009, ClinGen allele CA957390.

ClinVar aggregate classification (germline): Uncertain significance. Review status: criteria provided, multiple submitters, no conflicts (2 of 4 stars). 2 submissions from 2 submitters: Uncertain significance (2). Last evaluated 2024-02-24.

Allele frequency attached by ClinVar (database versions not stated): gnomAD 0.00001; TOPMed 0.00001.
gnomAD v4.1: 73 of 1,611,960 alleles (0.0045%); highest among the groups gnomAD compares: Non-Finnish European, 0.006%; no homozygotes.

Submissions (2):

Labcorp Genetics (formerly Invitae), Labcorp
Classification: Uncertain significance. Last evaluated: 2024-02-24. Review status: criteria provided, single submitter. Criteria: Invitae Variant Classification Sherloc (09022015). Collection method: clinical testing. Allele origin: germline.
Comment: This sequence change replaces threonine, which is neutral and polar, with serine, which is neutral and polar, at codon 1675 of the ABCA4 protein (p.Thr1675Ser). This variant is present in population databases (rs375156009, gnomAD 0.007%). This variant has not been reported in the literature in individuals affected with ABCA4-related conditions. ClinVar contains an entry for this variant (Variation ID: 860966). Advanced modeling of protein sequence and biophysical properties (such as structural, functional, and spatial information, amino acid conservation, physicochemical variation, residue mobility, and thermodynamic stability) has been performed at Invitae for this missense variant, however the output from this modeling did not meet the statistical confidence thresholds required to predict the impact of this variant on ABCA4 protein function. In summary, the available evidence is currently insufficient to determine the role of this variant in disease. Therefore, it has been classified as a Variant of Uncertain Significance.

Blueprint Genetics
Classification: Uncertain significance. Last evaluated: 2021-09-01. Review status: criteria provided, single submitter. Criteria: ACMG Guidelines, 2015. Collection method: clinical testing. Allele origin: germline.